The following is an entry in ClinVar:

ClinVar aggregate classification (germline): Uncertain significance (1 of 4 stars; one submission).

Submission:

Women's Health and Genetics/Laboratory Corporation of America, LabCorp
Classification: Uncertain significance. Last evaluated: 2025-05-20. Review status: criteria provided, single submitter. Criteria: LabCorp Variant Classification Summary - May 2015. Collection method: clinical testing. Allele origin: germline.
Comment: Variant summary: TAP1 c.-90G>A is located in the untranscribed region upstream of the TAP1 gene region. The variant allele was found at a frequency of 6.5e-06 in 152982 control chromosomes. The available data on variant occurrences in the general population are insufficient to allow any conclusion about variant significance. To our knowledge, no occurrence of c.-90G>A in individuals affected with MHC Class I Deficiency and no experimental evidence demonstrating its impact on protein function have been reported. No submitters have cited clinical-significance assessments for this variant to ClinVar. Based on the evidence outlined above, the variant was classified as uncertain significance.

NM_000593.6(TAP1):c.-90G>A

Gene: TAP1 (transporter 1, ATP binding cassette subfamily B member; minus strand). Cytogenetic location: 6p21.32.
Variant type: single nucleotide variant.
Coding change: c.-90G>A on transcript NM_000593.6 (MANE Select); 90 bases upstream of the start codon, G replaced by A.
Genome position (GRCh38, 1-based): chr6:32,853,726, C>T on the plus strand (G>A on the coding strand, the complement: TAP1 is on the minus strand). VCF-style: chr6-32853726-C-T. GRCh37 (hg19) VCF-style: chr6-32821503-C-T.
Other names: short protein forms G31R.
Identifiers: ClinVar variation 3902090 (VCV003902090.1).